The following is an entry in ClinVar:

ClinVar aggregate classification (germline): Uncertain significance (1 of 4 stars; one submission).

Submission:

Labcorp Genetics (formerly Invitae), Labcorp
Classification: Uncertain significance. Last evaluated: 2023-03-11. Review status: criteria provided, single submitter. Criteria: Invitae Variant Classification Sherloc (09022015). Collection method: clinical testing. Allele origin: unknown.
Comment: This variant results in a copy number gain of the genomic region encompassing exon(s) 1-5 of the POLE2 gene. This region includes the initiator codon of the gene. This copy number gain extends beyond the assayed region for this gene and therefore may encompass additional genes. As the precise location of this event is unknown, it may be in tandem or it may be located elsewhere in the genome. In summary, the available evidence is currently insufficient to determine the role of this variant in disease. Therefore, it has been classified as a Variant of Uncertain Significance. This variant has not been reported in the literature in individuals affected with POLE2-related conditions.

NC_000014.8:g.(?_50140821)_(50154921_?)dup

Gene: POLE2 (DNA polymerase epsilon 2, accessory subunit; minus strand). Cytogenetic location: 14q21.3.
Variant type: Duplication.
Identifiers: ClinVar variation 3244080 (VCV003244080.1).